The following is an entry in ClinVar:

NM_020831.6(MRTFA):c.1875G>C (p.Gln625His)

Gene: MRTFA (myocardin related transcription factor A; minus strand). Cytogenetic location: 22q13.1.
Variant type: single nucleotide variant.
Coding change: c.1875G>C on transcript NM_020831.6 (MANE Select); coding-DNA position 1875, G replaced by C.
Protein change: p.Gln625His; replaces glutamine 625 with histidine.
Molecular consequence: missense variant.
Genome position (GRCh38, 1-based): chr22:40,418,863, C>G on the plus strand (G>C on the coding strand, the complement: MRTFA is on the minus strand). VCF-style: chr22-40418863-C-G. GRCh37 (hg19) VCF-style: chr22-40814867-C-G.
Other names: c.1575G>C, p.Gln525His (NM_001282660.2); c.1725G>C, p.Gln575His (NM_001282661.3); c.1875G>C, p.Gln625His (NM_001282662.3); c.1680G>C, p.Gln560His (NM_001318139.2); short protein forms Q525H, Q575H, Q625H, Q560H.
Identifiers: ClinVar variation 4729439 (VCV004729439.1).

ClinVar aggregate classification (germline): Uncertain significance (1 of 4 stars; one submission).

Submission:

Labcorp Genetics (formerly Invitae), Labcorp
Classification: Uncertain significance. Last evaluated: 2025-10-25. Review status: criteria provided, single submitter. Criteria: Invitae Variant Classification Sherloc (09022015). Collection method: clinical testing. Allele origin: germline.
Comment: This sequence change replaces glutamine, which is neutral and polar, with histidine, which is basic and polar, at codon 525 of the MKL1 protein (p.Gln525His). This variant is not present in population databases (gnomAD no frequency). This variant has not been reported in the literature in individuals affected with MKL1-related conditions. An algorithm developed to predict the effect of missense changes on protein structure and function (PolyPhen-2) suggests that this variant is likely to be disruptive. In summary, the available evidence is currently insufficient to determine the role of this variant in disease. Therefore, it has been classified as a Variant of Uncertain Significance.